The following is an entry in ClinVar:

ClinVar aggregate classification (germline): Pathogenic/Likely pathogenic. Review status: criteria provided, multiple submitters, no conflicts (2 of 4 stars). 2 submissions from 2 submitters: Pathogenic (1); Likely pathogenic (1). Last evaluated 2024-10-24.

Conditions:
Familial thoracic aortic aneurysm and aortic dissection (TAAD). Also called: Thoracic aortic aneurysms and dissections. Identifiers: Orphanet 91387, MedGen C4707243, MONDO:0019625.
Marfan syndrome (MFS). Also called: FBN1-Related Marfan Syndrome; Marfan's syndrome; MARFAN SYNDROME, TYPE I; Marfan syndrome type 1; Marfan syndrome, classic. Identifiers: Orphanet 284963, Orphanet 558, MedGen C0024796, MONDO:0007947, OMIM 154700.

Submissions (2):

Labcorp Genetics (formerly Invitae), Labcorp
Classification: Pathogenic for Marfan syndrome; Familial thoracic aortic aneurysm and aortic dissection. Last evaluated: 2024-10-24. Review status: criteria provided, single submitter. Criteria: Invitae Variant Classification Sherloc (09022015). Collection method: clinical testing. Allele origin: germline.
Comment: This sequence change replaces cysteine, which is neutral and slightly polar, with arginine, which is basic and polar, at codon 1350 of the FBN1 protein (p.Cys1350Arg). This variant is not present in population databases (gnomAD no frequency). This missense change has been observed in individual(s) with clinical features of Marfan syndrome (PMID: 27906200). ClinVar contains an entry for this variant (Variation ID: 803090). Invitae Evidence Modeling of protein sequence and biophysical properties (such as structural, functional, and spatial information, amino acid conservation, physicochemical variation, residue mobility, and thermodynamic stability) indicates that this missense variant is expected to disrupt FBN1 protein function with a positive predictive value of 95%. This variant affects a cysteine residue in the EGF-like, TGFBP or hybrid motif domains of FBN1. Cysteine residues are believed to be involved in intramolecular disulfide bridges and have been shown to be important for FBN1 protein structure (PMID: 16905551, 19349279). In addition, missense substitutions affecting cysteine residues within these domains are significantly overrepresented among patients with Marfan syndrome (PMID: 16571647, 17701892). This variant disrupts the p.Cys1350 amino acid residue in FBN1. Other variant(s) that disrupt this residue have been observed in individuals with FBN1-related conditions (PMID: 19293843, 21542060), which suggests that this may be a clinically significant amino acid residue. For these reasons, this variant has been classified as Pathogenic.

Mendelics
Classification: Likely pathogenic for Marfan syndrome. Last evaluated: 2019-05-28. Review status: criteria provided, single submitter. Criteria: Mendelics Assertion Criteria 2017. Collection method: clinical testing. Allele origin: unknown.

Literature cited by the submitters: PubMed 27906200 (cited by Labcorp Genetics (formerly Invitae), Labcorp); PubMed 16905551 (cited by Labcorp Genetics (formerly Invitae), Labcorp); PubMed 19349279 (cited by Labcorp Genetics (formerly Invitae), Labcorp); PubMed 16571647 (cited by Labcorp Genetics (formerly Invitae), Labcorp); PubMed 17701892 (cited by Labcorp Genetics (formerly Invitae), Labcorp); PubMed 19293843 (cited by Labcorp Genetics (formerly Invitae), Labcorp); PubMed 21542060 (cited by Labcorp Genetics (formerly Invitae), Labcorp).

NM_000138.5(FBN1):c.4048T>C (p.Cys1350Arg)

Gene: FBN1 (fibrillin 1; minus strand). Cytogenetic location: 15q21.1.
Variant type: single nucleotide variant.
Coding change: c.4048T>C on transcript NM_000138.5 (MANE Select); coding-DNA position 4048, T replaced by C.
Protein change: p.Cys1350Arg; replaces cysteine 1350 with arginine.
Molecular consequence: missense variant.
Genome position (GRCh38, 1-based): chr15:48,474,567, A>G on the plus strand (T>C on the coding strand, the complement: FBN1 is on the minus strand). VCF-style: chr15-48474567-A-G. GRCh37 (hg19) VCF-style: chr15-48766764-A-G.
Other names: short protein forms C1350R.
Identifiers: ClinVar variation 803090 (VCV000803090.5), dbSNP rs397515799, ClinGen allele CA16616744.
Genomic context (GRCh38, chr15:48,474,567, plus strand): 5'-CTCTGTTACTTTCCTACTCACCAGTGCACTTAATGCCATCTCCAATCCACCCGGGACTGC[A>G]GCTACATTTGAAGCTTCCTGCTGTATTGGTACATACAGCATGTTTGCCACAGTTGTGTGC-3'
Protein context (NP_000129.3, residues 1340-1360): TNTAGSFKCS[Cys1350Arg]SPGWIGDGIK